The following is an entry in ClinVar:

ClinVar aggregate classification (germline): Conflicting classifications of pathogenicity. Review status: criteria provided, conflicting classifications (1 of 4 stars). 5 submissions from 5 submitters: Uncertain significance (3); Likely benign (1). 1 of the submissions does not count toward it. Last evaluated 2026-01-19.

Conditions:
Inborn genetic diseases. Identifiers: MedGen C0950123, MeSH D030342.
Pyruvate dehydrogenase complex deficiency (PDHC). Also called: Pyruvate dehydrogenase deficiency; Ataxia with lactic acidosis 1; PYRUVATE DECARBOXYLASE DEFICIENCY; PDH DEFICIENCY; Pyruvate Dehydrogenase Complex Deficiency Disease. Identifiers: Orphanet 765, Orphanet 79243, MedGen C0034345, MONDO:0019169.
Pyruvate dehydrogenase E1-beta deficiency (PDHBD). Identifiers: Orphanet 255138, Orphanet 765, MedGen C3279841, MONDO:0013580, OMIM 614111.

Allele frequency attached by ClinVar (database versions not stated): gnomAD exomes 0.00002 and 0.00005; ExAC 0.00005; gnomAD 0.00005 and 0.00006; TOPMed 0.00005; ESP Exome Variant Server 0.00023.
gnomAD v4.1: 45 of 1,613,910 alleles (0.0028%); highest among the groups gnomAD compares: Admixed American, 0.005%; 1 homozygote.

Submissions (5):

Labcorp Genetics (formerly Invitae), Labcorp
Classification: Likely benign for Pyruvate dehydrogenase E1-beta deficiency. Last evaluated: 2026-01-19. Review status: criteria provided, single submitter. Criteria: Invitae Variant Classification Sherloc (09022015). Collection method: clinical testing. Allele origin: germline.

Ambry Genetics
Classification: Uncertain significance for Inborn genetic diseases. Last evaluated: 2024-06-10. Review status: criteria provided, single submitter. Criteria: Ambry Variant Classification Scheme 2023. Collection method: clinical testing. Allele origin: germline.

Illumina Laboratory Services, Illumina
Classification: Uncertain significance for Pyruvate dehydrogenase E1-beta deficiency. Last evaluated: 2018-01-13. Review status: criteria provided, single submitter. Criteria: ICSL Variant Classification Criteria 13 December 2019. Collection method: clinical testing. Allele origin: germline.

GeneDx
Classification: Uncertain significance. Last evaluated: 2013-11-11. Review status: criteria provided, single submitter. Criteria: GeneDx Variant Classification (06012015). Collection method: clinical testing. Allele origin: germline. Affected: yes.
Comment: p.Pro313Ala (CCT>GCT): c.937 C>G in exon 10 of the PDHB gene (NM_000925.3). The P313A missense substitution has not been published as a mutation, nor has it been reported as a benign polymorphism to our knowledge. The amino acid change is semi-conservative in that both Proline and Alanine are uncharged, non-polar amino acids, but the loss of Proline with its unique ring structure could affect the secondary structure of the PDHB protein. This change occurs at a highly conserved position in the PDHB protein, and a missense mutation at a nearby position (D319V) has been reported in association with pyruvate dehydrogenase deficiency. In-silico analyses are inconsistent in their predictions of whether or not P313A is damaging to the PDHB protein. Therefore, based on the currently available information, it is unclear whether P313A is a disease-causing mutation or a rare benign variant. The variant is found in MITONUC-MITOP panel(s).

Natera, Inc.
Classification: Uncertain significance for Pyruvate decarboxylase deficiency. Last evaluated: 2020-09-16. Review status: no assertion criteria provided. Collection method: clinical testing. Allele origin: germline. Not counted in ClinVar's aggregate classification.

NM_000925.4(PDHB):c.937C>G (p.Pro313Ala)

Gene: PDHB (pyruvate dehydrogenase E1 subunit beta; minus strand). Cytogenetic location: 3p14.3.
Variant type: single nucleotide variant.
Coding change: c.937C>G on transcript NM_000925.4 (MANE Select); coding-DNA position 937, C replaced by G.
Protein change: p.Pro313Ala; replaces proline 313 with alanine.
Molecular consequence: missense variant. On other transcripts: non-coding transcript variant (1).
Genome position (GRCh38, 1-based): chr3:58,428,177, G>C on the plus strand (C>G on the coding strand, the complement: PDHB is on the minus strand). VCF-style: chr3-58428177-G-C. GRCh37 (hg19) VCF-style: chr3-58413904-G-C.
Other names: c.883C>G, p.Pro295Ala (NM_001173468.2, NM_001315536.2); short protein forms P313A, P295A.
Identifiers: ClinVar variation 214952 (VCV000214952.15), dbSNP rs201105914, ClinGen allele CA324429.